The following is an entry in ClinVar:

ClinVar aggregate classification (germline): Likely benign. Review status: criteria provided, single submitter (1 of 4 stars). 2 submissions from 2 submitters: Likely benign (1). 1 of the submissions does not count toward it.

Conditions:
PKD1-related disorder. Also called: PKD1-related condition.

Allele frequency attached by ClinVar (database versions not stated): gnomAD exomes 0.00001; TOPMed 0.00002; ExAC 0.00003; gnomAD 0.00003.
gnomAD v4.1: 23 of 1,610,770 alleles (0.0014%); highest among the groups gnomAD compares: South Asian, 0.0088%; no homozygotes.

Submissions (2):

Breakthrough Genomics
Classification: Likely benign. Review status: criteria provided, single submitter. Criteria: ACMG Guidelines, 2015. Collection method: not provided. Allele origin: germline. Inheritance: Autosomal dominant inheritance. Affected: yes.

PreventionGenetics, part of Exact Sciences
Classification: Likely benign for PKD1-related condition. Last evaluated: 2022-08-03. Review status: no assertion criteria provided. Collection method: clinical testing. Allele origin: germline. Not counted in ClinVar's aggregate classification.
Comment: This variant is classified as likely benign based on ACMG/AMP sequence variant interpretation guidelines (Richards et al. 2015 PMID: 25741868, with internal and published modifications).

NM_001009944.3(PKD1):c.9510C>T (p.Ile3170=)

Gene: PKD1 (polycystin 1, transient receptor potential channel interacting; minus strand). Cytogenetic location: 16p13.3.
Variant type: single nucleotide variant.
Coding change: c.9510C>T on transcript NM_001009944.3 (MANE Select); coding-DNA position 9510, C replaced by T.
Protein change: p.Ile3170=; no amino-acid change (isoleucine 3170 retained).
Molecular consequence: synonymous variant.
Genome position (GRCh38, 1-based): chr16:2,100,454, G>A on the plus strand (C>T on the coding strand, the complement: PKD1 is on the minus strand). VCF-style: chr16-2100454-G-A. GRCh37 (hg19) VCF-style: chr16-2150455-G-A.
Other names: c.9510C>T, p.Ile3170= (NM_000296.4).
Identifiers: ClinVar variation 3057979 (VCV003057979.3), dbSNP rs760864722, ClinGen allele CA7830064.